The following is an entry in ClinVar:

ClinVar aggregate classification (germline): Conflicting classifications of pathogenicity. Review status: criteria provided, conflicting classifications (1 of 4 stars). 2 submissions from 2 submitters: Uncertain significance (1); Likely benign (1). Last evaluated 2026-01-13.

Conditions:
Cardiovascular phenotype. Identifiers: MedGen CN230736.
Hereditary hemorrhagic telangiectasia (HHT). Also called: ORW DISEASE; Osler Weber Rendu syndrome; OSLER-RENDU-WEBER DISEASE; Osler hemorrhagic telangiectasia syndrome. Identifiers: Orphanet 774, MedGen C0039445, MONDO:0019180. Disease mechanism: loss of function.

Submissions (2):

Ambry Genetics
Classification: Likely benign for Cardiovascular phenotype. Last evaluated: 2026-01-13. Review status: criteria provided, single submitter. Criteria: Ambry Variant Classification Scheme 2023. Collection method: clinical testing. Allele origin: germline.

Labcorp Genetics (formerly Invitae), Labcorp
Classification: Uncertain significance for Hereditary hemorrhagic telangiectasia. Last evaluated: 2024-01-16. Review status: criteria provided, single submitter. Criteria: Invitae Variant Classification Sherloc (09022015). Collection method: clinical testing. Allele origin: germline.
Comment: This sequence change replaces leucine, which is neutral and non-polar, with proline, which is neutral and non-polar, at codon 179 of the ENG protein (p.Leu179Pro). This variant is not present in population databases (gnomAD no frequency). This variant has not been reported in the literature in individuals affected with ENG-related conditions. Advanced modeling of protein sequence and biophysical properties (such as structural, functional, and spatial information, amino acid conservation, physicochemical variation, residue mobility, and thermodynamic stability) performed at Invitae indicates that this missense variant is not expected to disrupt ENG protein function with a negative predictive value of 95%. In summary, the available evidence is currently insufficient to determine the role of this variant in disease. Therefore, it has been classified as a Variant of Uncertain Significance.

NM_001114753.3(ENG):c.536T>C (p.Leu179Pro)

Gene: ENG (endoglin; minus strand). Cytogenetic location: 9q34.11.
Variant type: single nucleotide variant.
Coding change: c.536T>C on transcript NM_001114753.3 (MANE Select); coding-DNA position 536, T replaced by C.
Protein change: p.Leu179Pro; replaces leucine 179 with proline.
Molecular consequence: missense variant. On other transcripts: 5 prime UTR variant (1).
Genome position (GRCh38, 1-based): chr9:127,825,848, A>G on the plus strand (T>C on the coding strand, the complement: ENG is on the minus strand). VCF-style: chr9-127825848-A-G. GRCh37 (hg19) VCF-style: chr9-130588127-A-G.
Other names: c.536T>C, p.Leu179Pro (NM_000118.4, NM_001406715.1); c.-11T>C (NM_001278138.2); c.536T>C (NM_001114753.1); short protein forms L179P.
Identifiers: ClinVar variation 2980545 (VCV002980545.4), dbSNP rs2539076364, ClinGen allele CA374983784.